The following is an entry in ClinVar:

ClinVar aggregate classification (germline): Uncertain significance (1 of 4 stars; one submission).

gnomAD v4.1: 1 of 1,614,162 alleles (0.000062%); highest among the groups gnomAD compares: Non-Finnish European, 0.000085%; no homozygotes.

Submission:

Ambry Genetics
Classification: Uncertain significance. Last evaluated: 2026-05-28. Review status: criteria provided, single submitter. Criteria: Ambry Variant Classification Scheme 2023. Collection method: clinical testing. Allele origin: germline.
Comment: The p.V386A variant (also known as c.1157T>C), located in coding exon 11 of the ILK gene, results from a T to C substitution at nucleotide position 1157. The valine at codon 386 is replaced by alanine, an amino acid with similar properties. This amino acid position is conserved. In addition, this alteration is predicted to be deleterious by in silico analysis. Based on the available evidence, the clinical significance of this variant remains unclear.

NM_004517.4(ILK):c.1157T>C (p.Val386Ala)

Genes: ILK (integrin linked kinase; plus strand), TAF10 (TATA-box binding protein associated factor 10; minus strand). Cytogenetic location: 11p15.4.
Variant type: single nucleotide variant.
Coding change: c.1157T>C on transcript NM_004517.4 (MANE Select); coding-DNA position 1157, T replaced by C.
Protein change: p.Val386Ala; replaces valine 386 with alanine.
Molecular consequence: missense variant. On other transcripts: 3 prime UTR variant (1).
Genome position (GRCh38, 1-based): chr11:6,610,226, T>C. VCF-style: chr11-6610226-T-C. GRCh37 (hg19) VCF-style: chr11-6631457-T-C.
Other names: c.1157T>C, p.Val386Ala (NM_001014794.3, NM_001014795.3); c.974T>C, p.Val325Ala (NM_001278441.2); c.755T>C, p.Val252Ala (NM_001278442.2); c.*696A>G (NM_006284.4); short protein forms V252A, V325A, V386A.
Identifiers: ClinVar variation 4858450 (VCV004858450.1).